The following is an entry in ClinVar:

ClinVar aggregate classification (germline): Uncertain significance (1 of 4 stars; one submission).

Conditions:
Immunodeficiency 39 (IMD39). Identifiers: Orphanet 574918, MedGen C4225358, MONDO:0014597, OMIM 616345.

gnomAD v4.1: 5 of 1,575,182 alleles (0.00032%); highest among the groups gnomAD compares: African/African-American, 0.0013%; no homozygotes.

Submission:

Labcorp Genetics (formerly Invitae), Labcorp
Classification: Uncertain significance for Immunodeficiency 39. Last evaluated: 2024-03-18. Review status: criteria provided, single submitter. Criteria: Invitae Variant Classification Sherloc (09022015). Collection method: clinical testing. Allele origin: germline.
Comment: This sequence change replaces glycine, which is neutral and non-polar, with serine, which is neutral and polar, at codon 10 of the IRF7 protein (p.Gly10Ser). The frequency data for this variant in the population databases is considered unreliable, as metrics indicate poor data quality at this position in the gnomAD database. This variant has not been reported in the literature in individuals affected with IRF7-related conditions. An algorithm developed to predict the effect of missense changes on protein structure and function (PolyPhen-2) suggests that this variant is likely to be tolerated. In summary, the available evidence is currently insufficient to determine the role of this variant in disease. Therefore, it has been classified as a Variant of Uncertain Significance.

NM_001572.5(IRF7):c.21-32G>A

Gene: IRF7 (interferon regulatory factor 7; minus strand). Cytogenetic location: 11p15.5.
Variant type: single nucleotide variant.
Coding change: c.21-32G>A on transcript NM_001572.5 (MANE Select); 32 bases into the intron before coding-DNA position 21, G replaced by A.
Molecular consequence: intron variant. On other transcripts: missense variant (1).
Genome position (GRCh38, 1-based): chr11:615,291, C>T on the plus strand (G>A on the coding strand, the complement: IRF7 is on the minus strand). VCF-style: chr11-615291-C-T. GRCh37 (hg19) VCF-style: chr11-615291-C-T.
Other names: c.28G>A, p.Gly10Ser (NM_004031.4); c.21-32G>A (NM_004029.4); short protein forms G10S.
Identifiers: ClinVar variation 3615759 (VCV003615759.2).